The following is an entry in ClinVar:

NM_133493.5(CD109):c.2603T>G (p.Leu868Trp)

Gene: CD109 (CD109 molecule; plus strand). Cytogenetic location: 6q13.
Variant type: single nucleotide variant.
Coding change: c.2603T>G on transcript NM_133493.5 (MANE Select); coding-DNA position 2603, T replaced by G.
Protein change: p.Leu868Trp; replaces leucine 868 with tryptophan.
Molecular consequence: missense variant.
Genome position (GRCh38, 1-based): chr6:73,788,514, T>G. VCF-style: chr6-73788514-T-G. GRCh37 (hg19) VCF-style: chr6-74498237-T-G.
Other names: c.2603T>G, p.Leu868Trp (NM_001159587.3); c.2372T>G, p.Leu791Trp (NM_001159588.3); short protein forms L791W, L868W.
Identifiers: ClinVar variation 4222503 (VCV004222503.2).

ClinVar aggregate classification (germline): Uncertain significance. Review status: criteria provided, multiple submitters, no conflicts (2 of 4 stars). 2 submissions from 2 submitters: Uncertain significance (2). Last evaluated 2026-08-06.

gnomAD v4.1: 54 of 1,612,068 alleles (0.0033%); highest among the groups gnomAD compares: Non-Finnish European, 0.0045%; no homozygotes.

Submissions (2):

OLLIN Analises Genomicas, OLLIN
Classification: Uncertain significance. Last evaluated: 2026-08-06. Review status: criteria provided, single submitter. Criteria: ACMG Guidelines 2015 PMID 25741868. Collection method: clinical testing. Allele origin: germline.
Comment: This missense variant, located in exon 22 (of 33), has been observed in gnomAD with an allele frequency of 0.0033%, but has not been reported in ClinVar or identified in the literature. In silico analysis is inconclusive regarding the impact of this variant. According to the currently available evidence, this variant has been classified as uncertain significance (PM2_P).

Ambry Genetics
Classification: Uncertain significance. Last evaluated: 2025-09-09. Review status: criteria provided, single submitter. Criteria: Ambry Variant Classification Scheme 2023. Collection method: clinical testing. Allele origin: germline.